The following is an entry in ClinVar:

ClinVar aggregate classification (germline): Uncertain significance. Review status: criteria provided, multiple submitters, no conflicts (2 of 4 stars). 2 submissions from 2 submitters: Uncertain significance (2). Last evaluated 2025-02-17.

gnomAD v4.1: 8 of 1,613,908 alleles (0.0005%); highest among the groups gnomAD compares: Non-Finnish European, 0.00068%; no homozygotes.

Submissions (2):

Labcorp Genetics (formerly Invitae), Labcorp
Classification: Uncertain significance. Last evaluated: 2025-02-17. Review status: criteria provided, single submitter. Criteria: Invitae Variant Classification Sherloc (09022015). Collection method: clinical testing. Allele origin: germline.
Comment: This sequence change replaces serine, which is neutral and polar, with asparagine, which is neutral and polar, at codon 1688 of the RP1 protein (p.Ser1688Asn). This variant is present in population databases (no rsID available, gnomAD 0.0009%). This missense change has been observed in individual(s) with clinical features of retinitis pigmentosa (PMID: 31054281). An algorithm developed to predict the effect of missense changes on protein structure and function outputs the following: PolyPhen-2: "Benign". The asparagine amino acid residue is found in multiple mammalian species, which suggests that this missense change does not adversely affect protein function. Algorithms developed to predict the effect of sequence changes on RNA splicing suggest that this variant may create or strengthen a splice site. In summary, the available evidence is currently insufficient to determine the role of this variant in disease. Therefore, it has been classified as a Variant of Uncertain Significance.

Blueprint Genetics
Classification: Uncertain significance. Last evaluated: 2023-09-25. Review status: criteria provided, single submitter. Criteria: ACMG Guidelines, 2015. Collection method: clinical testing. Allele origin: germline.

Literature cited by the submitters: PubMed 31054281 (cited by Labcorp Genetics (formerly Invitae), Labcorp).

NM_006269.2(RP1):c.5063G>A (p.Ser1688Asn)

Genes: RP1 (RP1 axonemal microtubule associated; plus strand), LOC126860392 (CDK7 strongly-dependent group 2 enhancer GRCh37_chr8:55541319-55542518; plus strand). Cytogenetic location: 8q12.1.
Variant type: single nucleotide variant.
Coding change: c.5063G>A on transcript NM_006269.2 (MANE Select); coding-DNA position 5063, G replaced by A.
Protein change: p.Ser1688Asn; replaces serine 1688 with asparagine.
Molecular consequence: missense variant. On other transcripts: intron variant (1).
Genome position (GRCh38, 1-based): chr8:54,628,945, G>A. VCF-style: chr8-54628945-G-A. GRCh37 (hg19) VCF-style: chr8-55541505-G-A.
Other names: c.787+6657G>A (NM_001375654.1); short protein forms S1688N.
Identifiers: ClinVar variation 3609650 (VCV003609650.3).